The following is an entry in ClinVar:

NM_001375524.1(TRRAP):c.4200G>C (p.Glu1400Asp)

Gene: TRRAP (transformation/transcription domain associated protein; plus strand). Cytogenetic location: 7q22.1.
Variant type: single nucleotide variant.
Coding change: c.4200G>C on transcript NM_001375524.1 (MANE Select); coding-DNA position 4200, G replaced by C.
Protein change: p.Glu1400Asp; replaces glutamic acid 1400 with aspartic acid.
Molecular consequence: missense variant.
Genome position (GRCh38, 1-based): chr7:98,937,244, G>C. VCF-style: chr7-98937244-G-C. GRCh37 (hg19) VCF-style: chr7-98534867-G-C.
Other names: c.4200G>C, p.Glu1400Asp (NM_001244580.2, NM_003496.4); short protein forms E1400D.
Identifiers: ClinVar variation 3898393 (VCV003898393.7).

ClinVar aggregate classification (germline): Uncertain significance (1 of 4 stars; one submission).

gnomAD v4.1: 1 of 1,613,498 alleles (0.000062%); highest among the groups gnomAD compares: Non-Finnish European, 0.000085%; no homozygotes.

Submission:

CeGaT Center for Human Genetics Tuebingen
Classification: Uncertain significance. Last evaluated: 2025-04-01. Review status: criteria provided, single submitter. Criteria: CeGaT Center For Human Genetics Tuebingen Variant Classification Criteria Version 2. Collection method: clinical testing. Allele origin: germline. Affected: yes. Observed: 1 variant allele.
Comment: TRRAP: PM2:Supporting